The following is an entry in ClinVar:

NM_006005.3(WFS1):c.1715T>G (p.Ile572Ser)

Gene: WFS1 (wolframin ER transmembrane glycoprotein; plus strand). Cytogenetic location: 4p16.1.
Variant type: single nucleotide variant.
Coding change: c.1715T>G on transcript NM_006005.3 (MANE Select); coding-DNA position 1715, T replaced by G.
Protein change: p.Ile572Ser; replaces isoleucine 572 with serine.
Molecular consequence: missense variant.
Genome position (GRCh38, 1-based): chr4:6,301,510, T>G. VCF-style: chr4-6301510-T-G. GRCh37 (hg19) VCF-style: chr4-6303237-T-G.
Other names: c.1715T>G, p.Ile572Ser (NM_001145853.1); short protein forms I572S.
Identifiers: ClinVar variation 3901446 (VCV003901446.1).

ClinVar aggregate classification (germline): Uncertain significance (1 of 4 stars; one submission).

Submission:

GeneDx
Classification: Uncertain significance. Last evaluated: 2024-12-06. Review status: criteria provided, single submitter. Criteria: GeneDx Variant Classification Process June 2021. Collection method: clinical testing. Allele origin: germline. Affected: yes.
Comment: Not observed at significant frequency in large population cohorts (gnomAD); In silico analysis supports that this missense variant has a deleterious effect on protein structure/function; Has not been previously published as pathogenic or benign to our knowledge